The following is an entry in ClinVar:

NM_018691.4(FAM114A2):c.364G>A (p.Gly122Ser)

Gene: FAM114A2 (family with sequence similarity 114 member A2; minus strand). Cytogenetic location: 5q33.2.
Variant type: single nucleotide variant.
Coding change: c.364G>A on transcript NM_018691.4 (MANE Select); coding-DNA position 364, G replaced by A.
Protein change: p.Gly122Ser; replaces glycine 122 with serine.
Molecular consequence: missense variant.
Genome position (GRCh38, 1-based): chr5:154,033,830, C>T on the plus strand (G>A on the coding strand, the complement: FAM114A2 is on the minus strand). VCF-style: chr5-154033830-C-T. GRCh37 (hg19) VCF-style: chr5-153413390-C-T.
Other names: c.364G>A, p.Gly122Ser (NM_001317993.2, NM_001317994.2); c.154G>A, p.Gly52Ser (NM_001317995.2); short protein forms G122S, G52S.
Identifiers: ClinVar variation 1288622 (VCV001288622.1), dbSNP rs2578377, ClinGen allele CA3525362.

ClinVar aggregate classification (germline): Benign (1 of 4 stars; one submission).

Allele frequency attached by ClinVar (database versions not stated): ESP Exome Variant Server 0.63181; gnomAD 0.64674 and 0.65339; gnomAD exomes 0.64807 and 0.68053; TOPMed 0.65494; ExAC 0.67494; 1000 Genomes Project 30x 0.71002; 1000 Genomes Project 0.71625.
gnomAD v4.1: 1,039,180 of 1,603,094 alleles (65%); highest among the groups gnomAD compares: East Asian, 87%; 340,287 homozygotes.

Submission:

GeneDx
Classification: Benign. Last evaluated: 2019-01-10. Review status: criteria provided, single submitter. Criteria: GeneDx Variant Classification Process June 2021. Collection method: clinical testing. Allele origin: germline. Affected: yes.
Comment: This variant is associated with the following publications: (PMID: 29083407)